The following is an entry in ClinVar:

NM_000069.3(CACNA1S):c.3591C>T (p.Val1197=)

Gene: CACNA1S (calcium voltage-gated channel subunit alpha1 S; minus strand). Cytogenetic location: 1q32.1.
Variant type: single nucleotide variant.
Coding change: c.3591C>T on transcript NM_000069.3 (MANE Select); coding-DNA position 3591, C replaced by T.
Protein change: p.Val1197=; no amino-acid change (valine 1197 retained).
Molecular consequence: synonymous variant.
Genome position (GRCh38, 1-based): chr1:201,058,426, G>A on the plus strand (C>T on the coding strand, the complement: CACNA1S is on the minus strand). VCF-style: chr1-201058426-G-A. GRCh37 (hg19) VCF-style: chr1-201027554-G-A.
Identifiers: ClinVar variation 1932580 (VCV001932580.7), dbSNP rs1660924114, ClinGen allele CA422719830.
Genomic context (GRCh38, chr1:201,058,426, plus strand): 5'-TTGGGCCCACCCTAGTGATGGCTCTGCCTGCCTGATACTCACGTCGATCTCACTGAGGAT[G>A]ACATCAATGATGCTGCCAATGACAATCAGGAAGTCAAACACATTCCAGGGGTCTCCAAAG-3'
Protein context (NP_000060.2, residues 1187-1207): FLIVIGSIID[Val1197=]ILSEIDTFLA

ClinVar aggregate classification (germline): Likely benign. Review status: criteria provided, multiple submitters, no conflicts (2 of 4 stars). 3 submissions from 3 submitters: Likely benign (3). Last evaluated 2023-08-15.

Conditions:
Malignant hyperthermia, susceptibility to, 5 (MHS5). Also called: CACNA1S-Related Malignant Hyperthermia Susceptibility. Identifiers: Orphanet 423, MedGen C1866077, MONDO:0011163, OMIM 601887.
Hypokalemic periodic paralysis, type 1. Also called: HypoPP; Hypokalemic Periodic Paralysis Type 1 (AD). Identifiers: Orphanet 681, MedGen C3714580, MONDO:0042979, OMIM 170400.

Allele frequency attached by ClinVar (database versions not stated): gnomAD exomes below 0.00001; gnomAD 0.00001; TOPMed 0.00001.
gnomAD v4.1: 4 of 1,613,910 alleles (0.00025%); highest among the groups gnomAD compares: South Asian, 0.0011%; no homozygotes.

Submissions (3):

All of Us Research Program, National Institutes of Health
Classification: Likely benign for Malignant hyperthermia, susceptibility to, 5. Last evaluated: 2023-08-15. Review status: criteria provided, single submitter. Criteria: ACMG Guidelines, 2015. Collection method: clinical testing. Allele origin: germline. Inheritance: Autosomal dominant inheritance. Observed: 1 variant allele, 1 heterozygote.
Comment: This study involves interpretation of variants in research participants for the purpose of population health screening. Participant phenotype was not available at the time of variant classification. Additional details can be found in publication PMID: 35346344, PMCID: PMC8962531

Color Diagnostics, LLC DBA Color Health
Classification: Likely benign for Malignant hyperthermia, susceptibility to, 5. Last evaluated: 2023-08-11. Review status: criteria provided, single submitter. Criteria: ACMG Guidelines, 2015. Collection method: clinical testing. Allele origin: germline.

Labcorp Genetics (formerly Invitae), Labcorp
Classification: Likely benign for Hypokalemic periodic paralysis, type 1; Malignant hyperthermia, susceptibility to, 5. Last evaluated: 2023-07-07. Review status: criteria provided, single submitter. Criteria: Invitae Variant Classification Sherloc (09022015). Collection method: clinical testing. Allele origin: germline.